The following is an entry in ClinVar:

ClinVar aggregate classification (germline): Likely benign. Review status: criteria provided, single submitter (1 of 4 stars). 2 submissions from 2 submitters: Likely benign (1). 1 of the submissions does not count toward it. Last evaluated 2023-10-03.

Conditions:
DVL1-related disorder. Also called: DVL1-related condition.

Allele frequency attached by ClinVar (database versions not stated): gnomAD exomes 0.00003; ExAC 0.00004; TOPMed 0.00005; gnomAD 0.00007; 1000 Genomes Project 30x 0.00016; ESP Exome Variant Server 0.00017; 1000 Genomes Project 0.00020.
gnomAD v4.1: 96 of 1,551,318 alleles (0.0062%); highest among the groups gnomAD compares: Admixed American, 0.0076%; no homozygotes.

Submissions (2):

Labcorp Genetics (formerly Invitae), Labcorp
Classification: Likely benign. Last evaluated: 2023-10-03. Review status: criteria provided, single submitter. Criteria: Invitae Variant Classification Sherloc (09022015). Collection method: clinical testing. Allele origin: germline.

PreventionGenetics, part of Exact Sciences
Classification: Likely benign for DVL1-related condition. Last evaluated: 2023-10-13. Review status: no assertion criteria provided. Collection method: clinical testing. Allele origin: germline. Not counted in ClinVar's aggregate classification.
Comment: This variant is classified as likely benign based on ACMG/AMP sequence variant interpretation guidelines (Richards et al. 2015 PMID: 25741868, with internal and published modifications).

NM_001330311.2(DVL1):c.1758G>A (p.Pro586=)

Gene: DVL1 (dishevelled segment polarity protein 1; minus strand). Cytogenetic location: 1p36.33.
Variant type: single nucleotide variant.
Coding change: c.1758G>A on transcript NM_001330311.2 (MANE Select); coding-DNA position 1758, G replaced by A.
Protein change: p.Pro586=; no amino-acid change (proline 586 retained).
Molecular consequence: synonymous variant.
Genome position (GRCh38, 1-based): chr1:1,336,472, C>T on the plus strand (G>A on the coding strand, the complement: DVL1 is on the minus strand). VCF-style: chr1-1336472-C-T. GRCh37 (hg19) VCF-style: chr1-1271852-C-T.
Other names: c.1683G>A, p.Pro561= (NM_004421.3); c.1683G>A (NM_004421.2).
Identifiers: ClinVar variation 1436313 (VCV001436313.10), dbSNP rs61757368, ClinGen allele CA519844.